The following is an entry in ClinVar:

NM_024597.4(MAP7D3):c.744C>T (p.Gly248=)

Gene: MAP7D3 (MAP7 domain containing 3; minus strand). Cytogenetic location: Xq26.3.
Variant type: single nucleotide variant.
Coding change: c.744C>T on transcript NM_024597.4 (MANE Select); coding-DNA position 744, C replaced by T.
Protein change: p.Gly248=; no amino-acid change (glycine 248 retained).
Molecular consequence: synonymous variant.
Genome position (GRCh38, 1-based): chrX:136,232,213, G>A on the plus strand (C>T on the coding strand, the complement: MAP7D3 is on the minus strand). VCF-style: chrX-136232213-G-A. GRCh37 (hg19) VCF-style: chrX-135314372-G-A.
Other names: c.690C>T, p.Gly230= (NM_001173516.1); c.639C>T, p.Gly213= (NM_001173517.2).
Identifiers: ClinVar variation 2661507 (VCV002661507.24), dbSNP rs777942639, ClinGen allele CA10525639.

ClinVar aggregate classification (germline): Likely benign (1 of 4 stars; one submission).

Allele frequency attached by ClinVar (database versions not stated): ExAC 0.00002; gnomAD exomes 0.00003; TOPMed 0.00003.

Submission:

CeGaT Center for Human Genetics Tuebingen
Classification: Likely benign. Last evaluated: 2022-12-01. Review status: criteria provided, single submitter. Criteria: CeGaT Center For Human Genetics Tuebingen Variant Classification Criteria Version 2. Collection method: clinical testing. Allele origin: germline. Affected: yes. Observed: 1 variant allele.
Comment: MAP7D3: BS2